The following is an entry in ClinVar:

NM_001127208.3(TET2):c.2722G>A (p.Gly908Ser)

Genes: TET2 (tet methylcytosine dioxygenase 2; plus strand), TET2-AS1 (TET2 antisense RNA 1; minus strand). Cytogenetic location: 4q24.
Variant type: single nucleotide variant.
Coding change: c.2722G>A on transcript NM_001127208.3 (MANE Select); coding-DNA position 2722, G replaced by A.
Protein change: p.Gly908Ser; replaces glycine 908 with serine.
Molecular consequence: missense variant.
Genome position (GRCh38, 1-based): chr4:105,236,664, G>A. VCF-style: chr4-105236664-G-A. GRCh37 (hg19) VCF-style: chr4-106157821-G-A.
Other names: c.2722G>A, p.Gly908Ser (NM_017628.4); short protein forms G908S.
Identifiers: ClinVar variation 3805922 (VCV003805922.1).
Genomic context (GRCh38, chr4:105,236,664, plus strand): 5'-CAGAAGTCACAACAAGCTTCAGTTCTACAGGGATATAAAAATAGAAACCAAGATATGTCT[G>A]GTCAACAAGCTGCGCAACTTGCTCAGCAAAGGTACTTGATACATAACCATGCAAATGTTT-3'
Protein context (NP_001120680.1, residues 898-918): GYKNRNQDMS[Gly908Ser]QQAAQLAQQR

ClinVar aggregate classification (germline): Uncertain significance (1 of 4 stars; one submission).

Submission:

Ambry Genetics
Classification: Uncertain significance. Last evaluated: 2025-01-03. Review status: criteria provided, single submitter. Criteria: Ambry Variant Classification Scheme 2023. Collection method: clinical testing. Allele origin: germline.
Comment: The p.G908S variant (also known as c.2722G>A), located in coding exon 1 of the TET2 gene, results from a G to A substitution at nucleotide position 2722. The glycine at codon 908 is replaced by serine, an amino acid with similar properties. This amino acid position is conserved. In addition, this alteration is predicted to be tolerated by in silico analysis. Based on the available evidence, the clinical significance of this variant remains unclear.